The following is an entry in ClinVar:

NM_021813.4(BACH2):c.803C>T (p.Pro268Leu)

Gene: BACH2 (BACH transcriptional regulator 2; minus strand). Cytogenetic location: 6q15.
Variant type: single nucleotide variant.
Coding change: c.803C>T on transcript NM_021813.4 (MANE Select); coding-DNA position 803, C replaced by T.
Protein change: p.Pro268Leu; replaces proline 268 with leucine.
Molecular consequence: missense variant.
Genome position (GRCh38, 1-based): chr6:89,951,303, G>A on the plus strand (C>T on the coding strand, the complement: BACH2 is on the minus strand). VCF-style: chr6-89951303-G-A. GRCh37 (hg19) VCF-style: chr6-90661022-G-A.
Other names: c.803C>T, p.Pro268Leu (NM_001170794.2); short protein forms P268L.
Identifiers: ClinVar variation 2911223 (VCV002911223.3), dbSNP rs1431330427, ClinGen allele CA365072194.

ClinVar aggregate classification (germline): Uncertain significance (1 of 4 stars; one submission).

Allele frequency attached by ClinVar (database versions not stated): gnomAD exomes below 0.00001; gnomAD 0.00001; TOPMed 0.00002.
gnomAD v4.1: 7 of 1,614,088 alleles (0.00043%); highest among the groups gnomAD compares: Admixed American, 0.005%; no homozygotes.

Submission:

Labcorp Genetics (formerly Invitae), Labcorp
Classification: Uncertain significance. Last evaluated: 2024-03-11. Review status: criteria provided, single submitter. Criteria: Invitae Variant Classification Sherloc (09022015). Collection method: clinical testing. Allele origin: germline.
Comment: This sequence change replaces proline, which is neutral and non-polar, with leucine, which is neutral and non-polar, at codon 268 of the BACH2 protein (p.Pro268Leu). This variant is not present in population databases (gnomAD no frequency). This variant has not been reported in the literature in individuals affected with BACH2-related conditions. Advanced modeling of protein sequence and biophysical properties (such as structural, functional, and spatial information, amino acid conservation, physicochemical variation, residue mobility, and thermodynamic stability) performed at Invitae indicates that this missense variant is not expected to disrupt BACH2 protein function with a negative predictive value of 80%. In summary, the available evidence is currently insufficient to determine the role of this variant in disease. Therefore, it has been classified as a Variant of Uncertain Significance.